The following is an entry in ClinVar:

NM_004855.5(PIGB):c.421T>C (p.Trp141Arg)

Gene: PIGB (phosphatidylinositol glycan anchor biosynthesis class B; plus strand). Cytogenetic location: 15q21.3.
Variant type: single nucleotide variant.
Coding change: c.421T>C on transcript NM_004855.5 (MANE Select); coding-DNA position 421, T replaced by C.
Protein change: p.Trp141Arg; replaces tryptophan 141 with arginine.
Molecular consequence: missense variant.
Genome position (GRCh38, 1-based): chr15:55,327,534, T>C. VCF-style: chr15-55327534-T-C. GRCh37 (hg19) VCF-style: chr15-55619732-T-C.
Other names: c.421T>C (NM_004855.4); short protein forms W141R.
Identifiers: ClinVar variation 1381342 (VCV001381342.5), dbSNP rs1397224699, ClinGen allele CA392541766.
Genomic context (GRCh38, chr15:55,327,534, plus strand): 5'-TTCAGTTTGAACCAACAGATATTTTTAACATCCTGTTCTTCTTTTTAACTGATGAAGATT[T>C]GGATTCCTAGACTTGCCCAAGCACTTCTGTCTGCTGTAGCAGATGTGAGACTTTACTCAT-3'
Protein context (NP_004846.4, residues 131-151): LGKDSVQLLI[Trp141Arg]IPRLAQALLS

ClinVar aggregate classification (germline): Uncertain significance. Review status: criteria provided, multiple submitters, no conflicts (2 of 4 stars). 2 submissions from 2 submitters: Uncertain significance (2). Last evaluated 2024-01-08.

Conditions:
Inborn genetic diseases. Identifiers: MedGen C0950123, MeSH D030342.

Allele frequency attached by ClinVar (database versions not stated): gnomAD exomes below 0.00001 and 0.00001; gnomAD 0.00002; TOPMed 0.00003.
gnomAD v4.1: 7 of 1,596,338 alleles (0.00044%); highest among the groups gnomAD compares: Admixed American, 0.0087%; no homozygotes.

Submissions (2):

Ambry Genetics
Classification: Uncertain significance for Inborn genetic diseases. Last evaluated: 2024-01-08. Review status: criteria provided, single submitter. Criteria: Ambry Variant Classification Scheme 2023. Collection method: clinical testing. Allele origin: germline.

Labcorp Genetics (formerly Invitae), Labcorp
Classification: Uncertain significance. Last evaluated: 2023-08-04. Review status: criteria provided, single submitter. Criteria: Invitae Variant Classification Sherloc (09022015). Collection method: clinical testing. Allele origin: germline.
Comment: This sequence change replaces tryptophan, which is neutral and slightly polar, with arginine, which is basic and polar, at codon 141 of the PIGB protein (p.Trp141Arg). This variant is present in population databases (no rsID available, gnomAD 0.0008%). This variant has not been reported in the literature in individuals affected with PIGB-related conditions. ClinVar contains an entry for this variant (Variation ID: 1381342). Advanced modeling of protein sequence and biophysical properties (such as structural, functional, and spatial information, amino acid conservation, physicochemical variation, residue mobility, and thermodynamic stability) performed at Invitae indicates that this missense variant is not expected to disrupt PIGB protein function. In summary, the available evidence is currently insufficient to determine the role of this variant in disease. Therefore, it has been classified as a Variant of Uncertain Significance.